The following is an entry in ClinVar:

ClinVar aggregate classification (germline): Uncertain significance. Review status: criteria provided, multiple submitters, no conflicts (2 of 4 stars). 2 submissions from 2 submitters: Uncertain significance (2). Last evaluated 2024-10-29.

Allele frequency attached by ClinVar (database versions not stated): gnomAD exomes 0.00001.
gnomAD v4.1: 9 of 1,549,708 alleles (0.00058%); highest among the groups gnomAD compares: Non-Finnish European, 0.00061%; no homozygotes.

Submissions (2):

Labcorp Genetics (formerly Invitae), Labcorp
Classification: Uncertain significance. Last evaluated: 2024-10-29. Review status: criteria provided, single submitter. Criteria: Invitae Variant Classification Sherloc (09022015). Collection method: clinical testing. Allele origin: germline.
Comment: This sequence change replaces glutamic acid, which is acidic and polar, with lysine, which is basic and polar, at codon 2318 of the EYS protein (p.Glu2318Lys). This variant is not present in population databases (gnomAD no frequency). This variant has not been reported in the literature in individuals affected with EYS-related conditions. ClinVar contains an entry for this variant (Variation ID: 2145238). Invitae Evidence Modeling of protein sequence and biophysical properties (such as structural, functional, and spatial information, amino acid conservation, physicochemical variation, residue mobility, and thermodynamic stability) indicates that this missense variant is expected to disrupt EYS protein function with a positive predictive value of 80%. In summary, the available evidence is currently insufficient to determine the role of this variant in disease. Therefore, it has been classified as a Variant of Uncertain Significance.

Blueprint Genetics
Classification: Uncertain significance. Last evaluated: 2019-07-22. Review status: criteria provided, single submitter. Criteria: ACMG Guidelines, 2015. Collection method: clinical testing. Allele origin: germline.

NM_001142800.2(EYS):c.6952G>A (p.Glu2318Lys)

Gene: EYS (EGF-like photoreceptor maintenance factor; minus strand). Cytogenetic location: 6q12.
Variant type: single nucleotide variant.
Coding change: c.6952G>A on transcript NM_001142800.2 (MANE Select); coding-DNA position 6952, G replaced by A.
Protein change: p.Glu2318Lys; replaces glutamic acid 2318 with lysine.
Molecular consequence: missense variant.
Genome position (GRCh38, 1-based): chr6:63,984,486, C>T on the plus strand (G>A on the coding strand, the complement: EYS is on the minus strand). VCF-style: chr6-63984486-C-T. GRCh37 (hg19) VCF-style: chr6-64694379-C-T.
Other names: c.6952G>A, p.Glu2318Lys (NM_001292009.2); short protein forms E2318K.
Identifiers: ClinVar variation 2145238 (VCV002145238.4), dbSNP rs925168425, ClinGen allele CA140266910.